The following is an entry in ClinVar:

Conditions:
Long QT syndrome 5 (LQT5). Identifiers: Orphanet 101016, Orphanet 768, MedGen C1867904, MONDO:0013372, OMIM 613695.

Submission:

Roden Lab, Vanderbilt University Medical Center
No classification provided (evidence only). Condition: Long QT syndrome 5. Review status: no classification provided. Collection method: in vitro. Allele origin: not applicable. Functional consequence: Effect on ion channel function.
ClinVar note: "not provided" was previously submitted as the classification for the variant. However, the classification appeared to be based only on an observation of functional data so it was converted to no classification on 2025-07-30.

NM_000219.6(KCNE1):c.20C>G (p.Thr7Arg)

Gene: KCNE1 (potassium voltage-gated channel subfamily E regulatory subunit 1; minus strand). Cytogenetic location: 21q22.12.
Variant type: single nucleotide variant.
Coding change: c.20C>G on transcript NM_000219.6 (MANE Select); coding-DNA position 20, C replaced by G.
Protein change: p.Thr7Arg; replaces threonine 7 with arginine.
Molecular consequence: missense variant.
Genome position (GRCh38, 1-based): chr21:34,449,615, G>C on the plus strand (C>G on the coding strand, the complement: KCNE1 is on the minus strand). VCF-style: chr21-34449615-G-C. GRCh37 (hg19) VCF-style: chr21-35821913-G-C.
Other names: c.20C>G, p.Thr7Arg (NM_001127668.4, NM_001127669.4, NM_001127670.4 and 4 more transcripts); short protein forms T7R.
Identifiers: ClinVar variation 3374314 (VCV003374314.2).